The following is an entry in ClinVar:

NM_032217.5(ANKRD17):c.6388C>G (p.Pro2130Ala)

Gene: ANKRD17 (ankyrin repeat domain 17; minus strand). Cytogenetic location: 4q13.3.
Variant type: single nucleotide variant.
Coding change: c.6388C>G on transcript NM_032217.5 (MANE Select); coding-DNA position 6388, C replaced by G.
Protein change: p.Pro2130Ala; replaces proline 2130 with alanine.
Molecular consequence: missense variant.
Genome position (GRCh38, 1-based): chr4:73,091,240, G>C on the plus strand (C>G on the coding strand, the complement: ANKRD17 is on the minus strand). VCF-style: chr4-73091240-G-C. GRCh37 (hg19) VCF-style: chr4-73956957-G-C.
Other names: c.6049C>G, p.Pro2017Ala (NM_001286771.3); c.6385C>G, p.Pro2129Ala (NM_015574.2); c.5635C>G, p.Pro1879Ala (NM_198889.3); short protein forms P1879A, P2017A, P2129A, P2130A.
Identifiers: ClinVar variation 2654815 (VCV002654815.24), dbSNP rs138455716, ClinGen allele CA2958003.

ClinVar aggregate classification (germline): Likely benign (1 of 4 stars; one submission).

Allele frequency attached by ClinVar (database versions not stated): ExAC 0.00103; gnomAD 0.00133; ESP Exome Variant Server 0.00154; 1000 Genomes Project 0.00160; gnomAD exomes 0.00212; 1000 Genomes Project 30x 0.00141.
gnomAD v4.1: 3,321 of 1,614,206 alleles (0.21%); highest among the groups gnomAD compares: Non-Finnish European, 0.24%; 6 homozygotes.

Submission:

CeGaT Center for Human Genetics Tuebingen
Classification: Likely benign. Last evaluated: 2025-05-01. Review status: criteria provided, single submitter. Criteria: CeGaT Center For Human Genetics Tuebingen Variant Classification Criteria Version 2. Collection method: clinical testing. Allele origin: germline. Affected: yes. Observed: 2 variant alleles.
Comment: ANKRD17: BP4, BS1